The following is an entry in ClinVar:

ClinVar aggregate classification (germline): Conflicting classifications of pathogenicity. Review status: criteria provided, conflicting classifications (1 of 4 stars). 2 submissions from 2 submitters: Uncertain significance (1); Likely benign (1). Last evaluated 2025-11-20.

Conditions:
Inborn genetic diseases. Identifiers: MedGen C0950123, MeSH D030342.
3-methylglutaconic aciduria with deafness, encephalopathy, and Leigh-like syndrome (MEGDEL). Also called: 3-METHYLGLUTACONIC ACIDURIA, TYPE VI; SERAC1 Deficiency; MEGDEL syndrome. Identifiers: Orphanet 352328, MedGen C4040739, MONDO:0013875, OMIM 614739.

Allele frequency attached by ClinVar (database versions not stated): ExAC 0.00003; gnomAD 0.00003 and 0.00004; TOPMed 0.00003; gnomAD exomes 0.00004.
gnomAD v4.1: 52 of 1,612,690 alleles (0.0032%); highest among the groups gnomAD compares: South Asian, 0.0077%; no homozygotes.

Submissions (2):

Ambry Genetics
Classification: Likely benign for Inborn genetic diseases. Last evaluated: 2025-11-20. Review status: criteria provided, single submitter. Criteria: Ambry Variant Classification Scheme 2023. Collection method: clinical testing. Allele origin: germline.

Labcorp Genetics (formerly Invitae), Labcorp
Classification: Uncertain significance for 3-methylglutaconic aciduria with deafness, encephalopathy, and Leigh-like syndrome. Last evaluated: 2023-08-09. Review status: criteria provided, single submitter. Criteria: Invitae Variant Classification Sherloc (09022015). Collection method: clinical testing. Allele origin: germline.
Comment: This sequence change replaces proline, which is neutral and non-polar, with leucine, which is neutral and non-polar, at codon 175 of the SERAC1 protein (p.Pro175Leu). This variant is present in population databases (rs536508664, gnomAD 0.008%). This variant has not been reported in the literature in individuals affected with SERAC1-related conditions. ClinVar contains an entry for this variant (Variation ID: 960827). Advanced modeling of protein sequence and biophysical properties (such as structural, functional, and spatial information, amino acid conservation, physicochemical variation, residue mobility, and thermodynamic stability) performed at Invitae indicates that this missense variant is not expected to disrupt SERAC1 protein function. In summary, the available evidence is currently insufficient to determine the role of this variant in disease. Therefore, it has been classified as a Variant of Uncertain Significance.

NM_032861.4(SERAC1):c.524C>T (p.Pro175Leu)

Gene: SERAC1 (serine active site containing 1; minus strand). Cytogenetic location: 6q25.3.
Variant type: single nucleotide variant.
Coding change: c.524C>T on transcript NM_032861.4 (MANE Select); coding-DNA position 524, C replaced by T.
Protein change: p.Pro175Leu; replaces proline 175 with leucine.
Molecular consequence: missense variant. On other transcripts: non-coding transcript variant (1).
Genome position (GRCh38, 1-based): chr6:158,144,384, G>A on the plus strand (C>T on the coding strand, the complement: SERAC1 is on the minus strand). VCF-style: chr6-158144384-G-A. GRCh37 (hg19) VCF-style: chr6-158565416-G-A.
Other names: short protein forms P175L.
Identifiers: ClinVar variation 960827 (VCV000960827.9), dbSNP rs536508664, ClinGen allele CA4071335.
Genomic context (GRCh38, chr6:158,144,384, plus strand): 5'-GGTAGGAGAAAAAAGCGAAGATCACTCTCTTCGCTTCGTGCCAAACCAATAAGAGTTTTC[G>A]GATCACAGGCTTGAGCAATTATCCTATACTGGTAATCTATTGAAAAAGCATTTTCTTTTG-3'
Protein context (NP_116250.3, residues 165-185): QYRIIAQACD[Pro175Leu]KTLIGLARSE